The following is an entry in ClinVar:

NM_001372106.1(DNAH10):c.3920A>G (p.Asn1307Ser)

Gene: DNAH10 (dynein axonemal heavy chain 10; plus strand). Cytogenetic location: 12q24.31.
Variant type: single nucleotide variant.
Coding change: c.3920A>G on transcript NM_001372106.1 (MANE Select); coding-DNA position 3920, A replaced by G.
Protein change: p.Asn1307Ser; replaces asparagine 1307 with serine.
Molecular consequence: missense variant.
Genome position (GRCh38, 1-based): chr12:123,819,170, A>G. VCF-style: chr12-123819170-A-G. GRCh37 (hg19) VCF-style: chr12-124303717-A-G.
Other names: c.3566A>G, p.Asn1189Ser (NM_001083900.1, NM_207437.3); short protein forms N1189S, N1307S.
Identifiers: ClinVar variation 2643523 (VCV002643523.24), dbSNP rs2542403783, ClinGen allele CA387156157.

ClinVar aggregate classification (germline): Uncertain significance (1 of 4 stars; one submission).

Submission:

CeGaT Center for Human Genetics Tuebingen
Classification: Uncertain significance. Last evaluated: 2023-01-01. Review status: criteria provided, single submitter. Criteria: CeGaT Center For Human Genetics Tuebingen Variant Classification Criteria Version 2. Collection method: clinical testing. Allele origin: germline. Affected: yes. Observed: 1 variant allele.
Comment: DNAH10: PM2, BP4